The following is an entry in ClinVar:

NM_002693.3(POLG):c.415T>G (p.Phe139Val)

Genes: POLG (DNA polymerase gamma, catalytic subunit; minus strand), POLGARF (POLG alternative reading frame; minus strand). Cytogenetic location: 15q26.1.
Variant type: single nucleotide variant.
Coding change: c.415T>G on transcript NM_002693.3 (MANE Select); coding-DNA position 415, T replaced by G.
Protein change: p.Phe139Val; replaces phenylalanine 139 with valine.
Molecular consequence: missense variant.
Genome position (GRCh38, 1-based): chr15:89,333,340, A>C on the plus strand (T>G on the coding strand, the complement: POLG is on the minus strand). VCF-style: chr15-89333340-A-C. GRCh37 (hg19) VCF-style: chr15-89876571-A-C.
Other names: c.470T>G, p.Leu157Arg (NM_001430120.1); c.415T>G, p.Phe139Val (NM_001126131.2); short protein forms L157R, F139V.
Identifiers: ClinVar variation 3636653 (VCV003636653.2).

ClinVar aggregate classification (germline): Uncertain significance (1 of 4 stars; one submission).

Conditions:
Progressive sclerosing poliodystrophy (MTDPS4A). Also called: ALPERS PROGRESSIVE INFANTILE POLIODYSTROPHY; NEURONAL DEGENERATION OF CHILDHOOD WITH LIVER DISEASE, PROGRESSIVE; Alpers Syndrome; ALPERS DIFFUSE DEGENERATION OF CEREBRAL GRAY MATTER WITH HEPATIC CIRRHOSIS; Alpers-Huttenlocher Syndrome; Mitochondrial DNA depletion syndrome 4A (Alpers type). Identifiers: Orphanet 726, MedGen C0205710, MONDO:0008758, OMIM 203700.

Submission:

Labcorp Genetics (formerly Invitae), Labcorp
Classification: Uncertain significance for Progressive sclerosing poliodystrophy. Last evaluated: 2024-02-07. Review status: criteria provided, single submitter. Criteria: Invitae Variant Classification Sherloc (09022015). Collection method: clinical testing. Allele origin: germline.
Comment: This sequence change replaces phenylalanine, which is neutral and non-polar, with valine, which is neutral and non-polar, at codon 139 of the POLG protein (p.Phe139Val). This variant is not present in population databases (gnomAD no frequency). This variant has not been reported in the literature in individuals affected with POLG-related conditions. Advanced modeling of protein sequence and biophysical properties (such as structural, functional, and spatial information, amino acid conservation, physicochemical variation, residue mobility, and thermodynamic stability) performed at Invitae indicates that this missense variant is expected to disrupt POLG protein function with a positive predictive value of 95%. In summary, the available evidence is currently insufficient to determine the role of this variant in disease. Therefore, it has been classified as a Variant of Uncertain Significance.